The following is an entry in ClinVar:

ClinVar aggregate classification (germline): Uncertain significance (1 of 4 stars; one submission).

Conditions:
KBG syndrome (KBGS). Also called: ANKRD11-Related KBG Syndrome. Identifiers: Orphanet 2332, MedGen C0220687, MONDO:0007846, OMIM 148050.

gnomAD v4.1: 1 of 1,535,790 alleles (0.000065%); no homozygotes.

Submission:

Labcorp Genetics (formerly Invitae), Labcorp
Classification: Uncertain significance for KBG syndrome. Last evaluated: 2025-03-23. Review status: criteria provided, single submitter. Criteria: Invitae Variant Classification Sherloc (09022015). Collection method: clinical testing. Allele origin: germline.
Comment: This sequence change replaces glycine, which is neutral and non-polar, with alanine, which is neutral and non-polar, at codon 2252 of the ANKRD11 protein (p.Gly2252Ala). This variant is not present in population databases (gnomAD no frequency). This variant has not been reported in the literature in individuals affected with ANKRD11-related conditions. ClinVar contains an entry for this variant (Variation ID: 2980341). Invitae Evidence Modeling of protein sequence and biophysical properties (such as structural, functional, and spatial information, amino acid conservation, physicochemical variation, residue mobility, and thermodynamic stability) indicates that this missense variant is not expected to disrupt ANKRD11 protein function with a negative predictive value of 95%. In summary, the available evidence is currently insufficient to determine the role of this variant in disease. Therefore, it has been classified as a Variant of Uncertain Significance.

NM_013275.6(ANKRD11):c.6755G>C (p.Gly2252Ala)

Gene: ANKRD11 (ankyrin repeat domain 11; minus strand). Cytogenetic location: 16q24.3.
Variant type: single nucleotide variant.
Coding change: c.6755G>C on transcript NM_013275.6 (MANE Select); coding-DNA position 6755, G replaced by C.
Protein change: p.Gly2252Ala; replaces glycine 2252 with alanine.
Molecular consequence: missense variant.
Genome position (GRCh38, 1-based): chr16:89,279,787, C>G on the plus strand (G>C on the coding strand, the complement: ANKRD11 is on the minus strand). VCF-style: chr16-89279787-C-G. GRCh37 (hg19) VCF-style: chr16-89346195-C-G.
Other names: c.6755G>C, p.Gly2252Ala (NM_001256182.2, NM_001256183.2); short protein forms G2252A.
Identifiers: ClinVar variation 2980341 (VCV002980341.3), dbSNP rs2544220863, ClinGen allele CA397150089.